The following is an entry in ClinVar:

NM_020461.4(TUBGCP6):c.3089C>T (p.Ser1030Leu)

Gene: TUBGCP6 (tubulin gamma complex component 6; minus strand). Cytogenetic location: 22q13.33.
Variant type: single nucleotide variant.
Coding change: c.3089C>T on transcript NM_020461.4 (MANE Select); coding-DNA position 3089, C replaced by T.
Protein change: p.Ser1030Leu; replaces serine 1030 with leucine.
Molecular consequence: missense variant.
Genome position (GRCh38, 1-based): chr22:50,221,270, G>A on the plus strand (C>T on the coding strand, the complement: TUBGCP6 is on the minus strand). VCF-style: chr22-50221270-G-A. GRCh37 (hg19) VCF-style: chr22-50659699-G-A.
Other names: short protein forms S1030L.
Identifiers: ClinVar variation 861536 (VCV000861536.11), dbSNP rs751897821, ClinGen allele CA10308057.

ClinVar aggregate classification (germline): Conflicting classifications of pathogenicity. Review status: criteria provided, conflicting classifications (1 of 4 stars). 5 submissions from 5 submitters: Uncertain significance (4); Likely benign (1). Last evaluated 2026-05-27.

Conditions:
Inborn genetic diseases. Identifiers: MedGen C0950123, MeSH D030342.
Microcephaly and chorioretinopathy 1. Also called: Microcephaly and chorioretinopathy, autosomal recessive, 1. Identifiers: MedGen C3278481, MONDO:0009624, OMIM 251270.

Allele frequency attached by ClinVar (database versions not stated): ExAC 0.00001; gnomAD exomes 0.00001; gnomAD 0.00003 and 0.00004; TOPMed 0.00005.
gnomAD v4.1: 47 of 1,614,016 alleles (0.0029%); highest among the groups gnomAD compares: East Asian, 0.013%; no homozygotes.

Submissions (5):

Women's Health and Genetics/Laboratory Corporation of America, LabCorp
Classification: Uncertain significance. Last evaluated: 2026-05-27. Review status: criteria provided, single submitter. Criteria: LabCorp Variant Classification Summary - May 2015. Collection method: clinical testing. Allele origin: germline.
Comment: Variant summary: TUBGCP6 c.3089C>T (p.Ser1030Leu) results in a non-conservative amino acid change in the encoded protein sequence. Algorithms developed to predict the effect of missense changes on protein structure and function are either unavailable or do not agree on the potential impact of this missense change. The variant allele was found at a frequency of 1.2e-05 in 251322 control chromosomes. The available data on variant occurrences in the general population are insufficient to allow any conclusion about variant significance. To our knowledge, no occurrence of c.3089C>T in individuals affected with TUBGCP6-related conditions and no experimental evidence demonstrating its impact on protein function have been reported. ClinVar contains an entry for this variant (Variation ID: 861536). Based on the evidence outlined above, the variant was classified as uncertain significance.

Labcorp Genetics (formerly Invitae), Labcorp
Classification: Uncertain significance. Last evaluated: 2025-11-15. Review status: criteria provided, single submitter. Criteria: Invitae Variant Classification Sherloc (09022015). Collection method: clinical testing. Allele origin: germline.
Comment: This sequence change replaces serine, which is neutral and polar, with leucine, which is neutral and non-polar, at codon 1030 of the TUBGCP6 protein (p.Ser1030Leu). This variant is present in population databases (rs751897821, gnomAD 0.02%). This variant has not been reported in the literature in individuals affected with TUBGCP6-related conditions. ClinVar contains an entry for this variant (Variation ID: 861536). An algorithm developed to predict the effect of missense changes on protein structure and function outputs the following: PolyPhen-2: "Benign". The leucine amino acid residue is found in multiple mammalian species, which suggests that this missense change does not adversely affect protein function. In summary, the available evidence is currently insufficient to determine the role of this variant in disease. Therefore, it has been classified as a Variant of Uncertain Significance.

Ambry Genetics
Classification: Uncertain significance for Inborn genetic diseases. Last evaluated: 2025-04-20. Review status: criteria provided, single submitter. Criteria: Ambry Variant Classification Scheme 2023. Collection method: clinical testing. Allele origin: germline.

Blueprint Genetics
Classification: Likely benign. Last evaluated: 2024-11-06. Review status: criteria provided, single submitter. Criteria: ACMG Guidelines, 2015. Collection method: clinical testing. Allele origin: germline.

Victorian Clinical Genetics Services, Murdoch Childrens Research Institute
Classification: Uncertain significance for Microcephaly and chorioretinopathy 1. Last evaluated: 2021-05-06. Review status: criteria provided, single submitter. Criteria: ACMG Guidelines, 2015. Collection method: clinical testing. Allele origin: germline. Inheritance: Autosomal recessive inheritance.
Comment: Based on the classification scheme VCGS_Germline_v1.3.4, this variant is classified as VUS-3C. Following criteria are met: 0102 - Loss of function is a known mechanism of disease in this gene and is associated with Microcephaly and chorioretinopathy 1 (MIM#251270). (I) 0106 - This gene is associated with autosomal recessive disease. (I) 0200 - Variant is predicted to result in a missense amino acid change from serine to leucine. (I) 0251 - This variant is heterozygous. (I) 0304 - Variant is present in gnomAD (v3) <0.01 for a recessive condition (6 heterozygotes, 0 homozygotes). (SP) 0504 - Same amino acid change has been observed in placental mammals. (SB) 0600 - Variant is located in the annotated repeat 4 (Uniprot). (I) 0705 - No comparable missense variants have previous evidence for pathogenicity. (I) 0809 - Previous evidence of pathogenicity for this variant is inconclusive. This variant has been reported as VUS in one individual (ClinVar). (I) 0905 - No published segregation evidence has been identified for this variant. (I) 1007 - No published functional evidence has been identified for this variant. (I) 1208 - Inheritance information for this variant is not currently available in this individual. (I) Legend: (SP) - Supporting pathogenic, (I) - Information, (SB) - Supporting benign